The following is an entry in ClinVar:

ClinVar aggregate classification (germline): Likely pathogenic (1 of 4 stars; one submission).

Conditions:
Familial thoracic aortic aneurysm and aortic dissection (TAAD). Also called: Thoracic aortic aneurysms and dissections. Identifiers: Orphanet 91387, MedGen C4707243, MONDO:0019625.

Submission:

Centre of Medical Genetics, University of Antwerp
Classification: Likely pathogenic for Familial thoracic aortic aneurysm and aortic dissection. Last evaluated: 2024-09-06. Review status: criteria provided, single submitter. Criteria: ACMG Guidelines, 2015. Collection method: clinical testing. Allele origin: germline. Affected: yes.
Comment: LP(PVS1; PM2)

NM_000138.5(FBN1):c.443-2A>G

Gene: FBN1 (fibrillin 1; minus strand). Cytogenetic location: 15q21.1.
Variant type: single nucleotide variant.
Coding change: c.443-2A>G on transcript NM_000138.5 (MANE Select); the canonical splice acceptor site of the intron before coding-DNA position 443, A replaced by G.
Molecular consequence: splice acceptor variant.
Genome position (GRCh38, 1-based): chr15:48,596,380, T>C on the plus strand (A>G on the coding strand, the complement: FBN1 is on the minus strand). VCF-style: chr15-48596380-T-C. GRCh37 (hg19) VCF-style: chr15-48888577-T-C.
Other names: c.443-2A>G (NM_001406716.1, NM_001406717.1).
Identifiers: ClinVar variation 4820006 (VCV004820006.1).
Genomic context (GRCh38, chr15:48,596,380, plus strand): 5'-TGCACATCGATTTGGGGCCACACACCTTCCTCCATTGAGACAGCCACTTTCACAAACAGC[T>C]GTAAAATAAGGAGAGAGCTGAGACGCTTTACCTGAAAATAAATGCTAATGAAGTAACACT-3'